The following is an entry in ClinVar:

ClinVar aggregate classification (germline): Uncertain significance. Review status: criteria provided, multiple submitters, no conflicts (2 of 4 stars). 6 submissions from 6 submitters: Uncertain significance (5). 1 of the submissions does not count toward it. Last evaluated 2025-05-12.

Conditions:
Retinal dystrophy. Also called: Inherited retinal dystrophy. Identifiers: Orphanet 71862, MedGen C0854723, MeSH D058499, MONDO:0019118, HP:0000556.

Allele frequency attached by ClinVar (database versions not stated): ExAC 0.00002; gnomAD exomes 0.00003 and 0.00007; TOPMed 0.00007.
gnomAD v4.1: 110 of 1,614,086 alleles (0.0068%); highest among the groups gnomAD compares: Middle Eastern, 0.2%; no homozygotes.

Submissions (6):

Ambry Genetics
Classification: Uncertain significance. Last evaluated: 2025-05-12. Review status: criteria provided, single submitter. Criteria: Ambry Variant Classification Scheme 2023. Collection method: clinical testing. Allele origin: germline.

CeGaT Center for Human Genetics Tuebingen
Classification: Uncertain significance. Last evaluated: 2025-04-01. Review status: criteria provided, single submitter. Criteria: CeGaT Center For Human Genetics Tuebingen Variant Classification Criteria Version 2. Collection method: clinical testing. Allele origin: germline. Affected: yes. Observed: 1 variant allele.
Comment: CEP250: PM2, PM3:Supporting, BP1, BP4

Blueprint Genetics
Classification: Uncertain significance. Last evaluated: 2024-11-18. Review status: criteria provided, single submitter. Criteria: ACMG Guidelines, 2015. Collection method: clinical testing. Allele origin: germline.

Labcorp Genetics (formerly Invitae), Labcorp
Classification: Uncertain significance. Last evaluated: 2023-12-11. Review status: criteria provided, single submitter. Criteria: Invitae Variant Classification Sherloc (09022015). Collection method: clinical testing. Allele origin: germline.
Comment: This sequence change replaces leucine, which is neutral and non-polar, with phenylalanine, which is neutral and non-polar, at codon 2178 of the CEP250 protein (p.Leu2178Phe). This variant is present in population databases (rs369913865, gnomAD 0.006%). This variant has not been reported in the literature in individuals affected with CEP250-related conditions. ClinVar contains an entry for this variant (Variation ID: 943297). An algorithm developed to predict the effect of missense changes on protein structure and function (PolyPhen-2) suggests that this variant¬†is likely to be tolerated. In summary, the available evidence is currently insufficient to determine the role of this variant in disease. Therefore, it has been classified as a Variant of Uncertain Significance.

Breakthrough Genomics
Classification: Uncertain significance. Review status: criteria provided, single submitter. Criteria: ACMG Guidelines, 2015. Collection method: not provided. Allele origin: germline. Inheritance: Autosomal dominant inheritance. Affected: yes.

Institute of Human Genetics, Univ. Regensburg, Univ. Regensburg
Classification: Uncertain significance for Retinal dystrophy. Last evaluated: 2022-01-01. Review status: no assertion criteria provided. Criteria: ACMG Guidelines, 2015. Collection method: clinical testing. Allele origin: germline. Affected: yes. Not counted in ClinVar's aggregate classification.

NM_007186.6(CEP250):c.6532C>T (p.Leu2178Phe)

Gene: CEP250 (centrosomal protein 250; plus strand). Cytogenetic location: 20q11.22.
Variant type: single nucleotide variant.
Coding change: c.6532C>T on transcript NM_007186.6 (MANE Select); coding-DNA position 6532, C replaced by T.
Protein change: p.Leu2178Phe; replaces leucine 2178 with phenylalanine.
Molecular consequence: missense variant.
Genome position (GRCh38, 1-based): chr20:35,504,901, C>T. VCF-style: chr20-35504901-C-T. GRCh37 (hg19) VCF-style: chr20-34092729-C-T.
Other names: c.4636C>T, p.Leu1546Phe (NM_001318219.1); c.6532C>T (NM_007186.3); short protein forms L1546F, L2178F.
Identifiers: ClinVar variation 943297 (VCV000943297.20), dbSNP rs369913865, ClinGen allele CA9834086.